The following is an entry in ClinVar:

ClinVar aggregate classification (germline): Uncertain significance. Review status: criteria provided, multiple submitters, no conflicts (2 of 4 stars). 2 submissions from 2 submitters: Uncertain significance (2). Last evaluated 2023-07-19.

Allele frequency attached by ClinVar (database versions not stated): gnomAD exomes below 0.00001; ExAC 0.00001; TOPMed 0.00001; gnomAD 0.00002.
gnomAD v4.1: 8 of 1,609,764 alleles (0.0005%); highest among the groups gnomAD compares: Admixed American, 0.0017%; no homozygotes.

Submissions (2):

GeneDx
Classification: Uncertain significance. Last evaluated: 2023-07-19. Review status: criteria provided, single submitter. Criteria: GeneDx Variant Classification Process June 2021. Collection method: clinical testing. Allele origin: germline. Affected: yes.
Comment: Has not been previously published as pathogenic or benign to our knowledge; Not observed at significant frequency in large population cohorts (gnomAD); Missense variant in a gene in which most reported pathogenic variants are truncating/loss of function

Revvity Omics, Revvity
Classification: Uncertain significance. Last evaluated: 2019-10-09. Review status: criteria provided, single submitter. Criteria: ACMG Guidelines, 2015. Collection method: clinical testing. Allele origin: germline.

NM_001267550.2(TTN):c.97226T>C (p.Ile32409Thr)

Genes: TTN (titin; minus strand), TTN-AS1 (TTN antisense RNA 1; plus strand). Cytogenetic location: 2q31.2.
Variant type: single nucleotide variant.
Coding change: c.97226T>C on transcript NM_001267550.2 (MANE Select); coding-DNA position 97226, T replaced by C.
Protein change: p.Ile32409Thr; replaces isoleucine 32409 with threonine.
Molecular consequence: missense variant.
Genome position (GRCh38, 1-based): chr2:178,542,530, A>G on the plus strand (T>C on the coding strand, the complement: TTN is on the minus strand). VCF-style: chr2-178542530-A-G. GRCh37 (hg19) VCF-style: chr2-179407257-A-G.
Other names: c.70031T>C, p.Ile23344Thr (NM_003319.4); c.89522T>C, p.Ile29841Thr (NM_133378.4); c.70406T>C, p.Ile23469Thr (NM_133432.3); c.70607T>C, p.Ile23536Thr (NM_133437.4); c.92303T>C, p.Ile30768Thr (NM_001256850.1); short protein forms I23344T, I23469T, I23536T, I29841T, I30768T, I32409T.
Identifiers: ClinVar variation 2438260 (VCV002438260.4), dbSNP rs772914223, ClinGen allele CA1986591.
Genomic context (GRCh38, chr2:178,542,530, plus strand): 5'-CCACCGTCCAATTCAGGTGGTTCCCAGGAAATGGTAATTGATGTAGCATCAATTTCATCA[A>G]TCTTAATAGGTCCTGTTGGTGGACCAGGCTTGTCTATGAAAGAGAAGAAATACAGGAAAT-3'
Protein context (NP_001254479.2, residues 32399-32419): KPGPPTGPIK[Ile32409Thr]DEIDATSITI